The following is an entry in ClinVar:

NC_000004.11:g.(?_79158644)_(79240160_?)del

Gene: FRAS1 (Fraser extracellular matrix complex subunit 1; plus strand). Cytogenetic location: 4q21.21.
Variant type: Deletion.
Identifiers: ClinVar variation 3246760 (VCV003246760.1).

ClinVar aggregate classification (germline): Pathogenic (1 of 4 stars; one submission).

Submission:

Labcorp Genetics (formerly Invitae), Labcorp
Classification: Pathogenic. Last evaluated: 2023-11-24. Review status: criteria provided, single submitter. Criteria: Invitae Variant Classification Sherloc (09022015). Collection method: clinical testing. Allele origin: unknown.
Comment: This variant is a gross deletion of the genomic region encompassing exon(s) 3-18 of the FRAS1 gene. This deletion is out-of-frame, and is expected to create a premature termination codon and result in an absent or disrupted protein product. Loss-of-function variants in FRAS1 are known to be pathogenic (PMID: 12766769, 18671281). This variant has not been reported in the literature in individuals affected with FRAS1-related conditions. For these reasons, this variant has been classified as Pathogenic.

Literature cited by the submitters: PubMed 12766769; PubMed 18671281.